The following is an entry in ClinVar:

NM_001048174.2(MUTYH):c.-25T>C

Gene: MUTYH (mutY DNA glycosylase; minus strand). Cytogenetic location: 1p34.1.
Variant type: single nucleotide variant.
Coding change: c.-25T>C on transcript NM_001048174.2 (MANE Select); 25 bases upstream of the start codon, T replaced by C.
Molecular consequence: 5 prime UTR variant. On other transcripts: intron variant (23).
Genome position (GRCh38, 1-based): chr1:45,339,917, A>G on the plus strand (T>C on the coding strand, the complement: MUTYH is on the minus strand). VCF-style: chr1-45339917-A-G. GRCh37 (hg19) VCF-style: chr1-45805589-A-G.
Other names: c.-278+302T>C (NM_001350650.2); c.36+302T>C (NM_001407073.1, NM_001293190.2, NM_001407069.1 and 2 more transcripts); c.-7+302T>C (NM_001048171.2); c.-7+286T>C (NM_001407071.1, NM_001407070.1); c.-214+59T>C (NM_001407082.1); c.-219+59T>C (NM_001293196.2); c.-7+59T>C (NM_001407080.1, NM_001048173.2, NM_001407079.1 and 3 more transcripts); c.-163+59T>C (NM_001407075.1); and 10 more.
Identifiers: ClinVar variation 3602629 (VCV003602629.1).

ClinVar aggregate classification (germline): Benign (1 of 4 stars; one submission).

Conditions:
Hereditary cancer-predisposing syndrome. Also called: Tumor predisposition; Hereditary neoplastic syndrome; Neoplastic Syndromes, Hereditary; Hereditary Cancer Syndrome. Identifiers: Orphanet 140162, MedGen C0027672, MeSH D009386, MONDO:0015356.

gnomAD v4.1: 123 of 1,441,196 alleles (0.0085%); highest among the groups gnomAD compares: East Asian, 0.37%; no homozygotes.

Submission:

Institute for Biomarker Research, Medical Diagnostic Laboratories, L.L.C.
Classification: Benign for Hereditary cancer-predisposing syndrome. Last evaluated: 2025-01-15. Review status: criteria provided, single submitter. Criteria: ACMG Guidelines, 2015. Collection method: clinical testing. Allele origin: germline.
Comment: The intron variant NM_001128425.2(MUTYH):c.36+302T>C has not been reported previously as a pathogenic variant nor as a benign variant, to our knowledge. The c.36+302T>C variant is not predicted to disrupt an existing splice site. The c.36+302T>C variant results in a substitution of a base that is not predicted conserved by GERP++ and PhyloP. For these reasons, this variant has been classified as Likely Benign